The following is an entry in ClinVar:

ClinVar aggregate classification (germline): Conflicting classifications of pathogenicity. Review status: criteria provided, conflicting classifications (1 of 4 stars). 2 submissions from 2 submitters: Uncertain significance (1); Likely benign (1). Last evaluated 2023-03-23.

Conditions:
Hereditary breast ovarian cancer syndrome. Also called: Hereditary breast and/or ovarian cancer syndrome; Hereditary breast and ovarian cancer syndrome; Hereditary breast and ovarian cancer; Hereditary breast and ovarian cancer syndrome (HBOC); Breast and ovarian cancer; BRCA1- and BRCA2-Associated Hereditary Breast and Ovarian Cancer. Identifiers: Orphanet 145, MedGen C0677776, MeSH D061325, MONDO:0003582. Disease mechanism: loss of function.
Hereditary cancer-predisposing syndrome. Also called: Hereditary neoplastic syndrome; Neoplastic Syndromes, Hereditary; Tumor predisposition; Hereditary Cancer Syndrome. Identifiers: Orphanet 140162, MedGen C0027672, MeSH D009386, MONDO:0015356.

Submissions (2):

University of Washington Department of Laboratory Medicine, University of Washington
Classification: Likely benign for Hereditary cancer-predisposing syndrome. Last evaluated: 2023-03-23. Review status: criteria provided, single submitter. Criteria: Dines et al. (Genet Med. 2020). Collection method: curation. Allele origin: germline.
Comment: Missense variant in a coldspot region where missense variants are very unlikely to be pathogenic (PMID:31911673).

BRCA2 exon 10 coldspot. Reclassification based on statistical prior probability.

Labcorp Genetics (formerly Invitae), Labcorp
Classification: Uncertain significance for Hereditary breast ovarian cancer syndrome. Last evaluated: 2022-10-17. Review status: criteria provided, single submitter. Criteria: Invitae Variant Classification Sherloc (09022015). Collection method: clinical testing. Allele origin: germline.
Comment: In summary, the available evidence is currently insufficient to determine the role of this variant in disease. Therefore, it has been classified as a Variant of Uncertain Significance. Advanced modeling of protein sequence and biophysical properties (such as structural, functional, and spatial information, amino acid conservation, physicochemical variation, residue mobility, and thermodynamic stability) performed at Invitae indicates that this missense variant is not expected to disrupt BRCA2 protein function. ClinVar contains an entry for this variant (Variation ID: 939416). This variant has not been reported in the literature in individuals affected with BRCA2-related conditions. This variant is not present in population databases (gnomAD no frequency). This sequence change replaces alanine, which is neutral and non-polar, with valine, which is neutral and non-polar, at codon 632 of the BRCA2 protein (p.Ala632Val).

NM_000059.4(BRCA2):c.1895C>T (p.Ala632Val)

Gene: BRCA2 (BRCA2 DNA repair associated; plus strand). Cytogenetic location: 13q13.1.
Variant type: single nucleotide variant.
Coding change: c.1895C>T on transcript NM_000059.4 (MANE Select); coding-DNA position 1895, C replaced by T.
Protein change: p.Ala632Val; replaces alanine 632 with valine.
Molecular consequence: missense variant.
Genome position (GRCh38, 1-based): chr13:32,333,373, C>T. VCF-style: chr13-32333373-C-T. GRCh37 (hg19) VCF-style: chr13-32907510-C-T.
Other names: short protein forms A632V.
Identifiers: ClinVar variation 939416 (VCV000939416.11), dbSNP rs876659192, ClinGen allele CA387766787.